The following is an entry in ClinVar:

NM_000520.6(HEXA):c.8G>C (p.Ser3Thr)

Gene: HEXA (hexosaminidase subunit alpha; minus strand). Cytogenetic location: 15q23.
Variant type: single nucleotide variant.
Coding change: c.8G>C on transcript NM_000520.6 (MANE Select); coding-DNA position 8, G replaced by C.
Protein change: p.Ser3Thr; replaces serine 3 with threonine.
Molecular consequence: missense variant. On other transcripts: non-coding transcript variant (1).
Genome position (GRCh38, 1-based): chr15:72,375,965, C>G on the plus strand (G>C on the coding strand, the complement: HEXA is on the minus strand). VCF-style: chr15-72375965-C-G. GRCh37 (hg19) VCF-style: chr15-72668306-C-G.
Other names: c.8G>C, p.Ser3Thr (NM_001318825.2); short protein forms S3T.
Identifiers: ClinVar variation 438810 (VCV000438810.52), dbSNP rs374524755, ClinGen allele CA7645132.

ClinVar aggregate classification (germline): Conflicting classifications of pathogenicity. Review status: criteria provided, conflicting classifications (1 of 4 stars). 10 submissions from 10 submitters: Uncertain significance (1); Likely benign (5). 4 of the submissions do not count toward it. Last evaluated 2026-01-28.

Conditions:
HEXA-related disorder. Also called: HEXA-related condition.
Tay-Sachs disease (TSD). Also called: Sphingolipidosis, Tay-Sachs; Hexosaminidase A Deficiency; HEXA Disorders; GM2 gangliosidosis, type 1; Hexosaminidase alpha-subunit deficiency (variant B); HEXA DEFICIENCY. Identifiers: Orphanet 845, MedGen C0039373, MONDO:0010100, OMIM 272800.
Intellectual disability. Also called: intellectual disabilities; Intellectual functioning disability; Intellectual developmental disorder. Identifiers: MedGen C3714756, MeSH D008607, MONDO:0001071, HP:0001249.

Allele frequency attached by ClinVar (database versions not stated): ESP Exome Variant Server 0.00023; gnomAD 0.00029 and 0.00031; TOPMed 0.00041.
gnomAD v4.1: 465 of 1,613,588 alleles (0.029%); highest among the groups gnomAD compares: Middle Eastern, 0.23%; no homozygotes.

Submissions (10):

Labcorp Genetics (formerly Invitae), Labcorp
Classification: Likely benign for Tay-Sachs disease. Last evaluated: 2026-01-28. Review status: criteria provided, single submitter. Criteria: Invitae Variant Classification Sherloc (09022015). Collection method: clinical testing. Allele origin: germline.

ARUP Laboratories, Molecular Genetics and Genomics, ARUP Laboratories
Classification: Likely benign. Last evaluated: 2024-12-31. Review status: criteria provided, single submitter. Criteria: ARUP Molecular Germline Variant Investigation Process 2024. Collection method: clinical testing. Allele origin: germline.

Quest Diagnostics Nichols Institute San Juan Capistrano
Classification: Likely benign. Last evaluated: 2023-03-22. Review status: criteria provided, single submitter. Criteria: Quest Diagnostics criteria. Collection method: clinical testing. Allele origin: unknown.

CeGaT Center for Human Genetics Tuebingen
Classification: Uncertain significance. Last evaluated: 2022-10-01. Review status: criteria provided, single submitter. Criteria: CeGaT Center For Human Genetics Tuebingen Variant Classification Criteria Version 2. Collection method: clinical testing. Allele origin: germline. Affected: yes. Observed: 1 variant allele.

Women's Health and Genetics/Laboratory Corporation of America, LabCorp
Classification: Likely benign. Last evaluated: 2022-08-04. Review status: criteria provided, single submitter. Criteria: LabCorp Variant Classification Summary - May 2015. Collection method: clinical testing. Allele origin: germline.
Comment: Variant summary: HEXA c.8G>C (p.Ser3Thr) results in a conservative amino acid change in the encoded protein sequence. Four of four in-silico tools predict a benign effect of the variant on protein function. The variant allele was found at a frequency of 0.00046 in 250174 control chromosomes and was also observed predominantly in the Ashkenazi Jewish subpopulation at a frequency of 0.0056 (56/10048). This frequency is about 4 times the estimated maximal expected allele frequency of a pathogenic HEXA variant (0.0013975), suggesting this is likely a benign polymorphism found primarily in populations of Ashkenazi Jewish origin. c.8G>C has been reported in the literature in individuals not affected with Tay-Sachs Disease. These reports do not provide unequivocal conclusions about association of the variant with Tay-Sachs Disease. Two publications showed that inviduals carrying this variant have normal HEXA activity. Seven clinical diagnostic laboratories have submitted clinical-significance assessments for this variant to ClinVar after 2014 without evidence for independent evaluation (likely benign n=6, VUS n=1). Based on the evidence outlined above, the variant was classified as likely benign.

GeneDx
Classification: Likely benign. Last evaluated: 2020-10-12. Review status: criteria provided, single submitter. Criteria: GeneDx Variant Classification Process June 2021. Collection method: clinical testing. Allele origin: germline. Affected: yes.
Comment: This variant is associated with the following publications: (PMID: 27054707)

Natera, Inc.
Classification: Uncertain significance for Tay-Sachs disease. Last evaluated: 2020-05-13. Review status: no assertion criteria provided. Collection method: clinical testing. Allele origin: germline. Not counted in ClinVar's aggregate classification.

PreventionGenetics, part of Exact Sciences
Classification: Likely benign for HEXA-related condition. Last evaluated: 2019-09-24. Review status: no assertion criteria provided. Collection method: clinical testing. Allele origin: germline. Not counted in ClinVar's aggregate classification.
Comment: This variant is classified as likely benign based on ACMG/AMP sequence variant interpretation guidelines (Richards et al. 2015 PMID: 25741868, with internal and published modifications).

Centre de Biologie Pathologie Génétique, Centre Hospitalier Universitaire de Lille
Classification: Likely benign for Intellectual disability. Last evaluated: 2019-01-01. Review status: no assertion criteria provided. Collection method: clinical testing. Allele origin: inherited. Affected: yes. Not counted in ClinVar's aggregate classification.

Counsyl
Classification: Likely benign for Tay-Sachs disease. Last evaluated: 2017-08-31. Review status: no assertion criteria provided. Collection method: clinical testing. Allele origin: unknown. Inheritance: Autosomal recessive inheritance. Not counted in ClinVar's aggregate classification.

Literature cited by the submitters: PubMed 31293106 (cited by Quest Diagnostics Nichols Institute San Juan Capistrano and Women's Health and Genetics/Laboratory Corporation of America, LabCorp); PubMed 27054707 (cited by Quest Diagnostics Nichols Institute San Juan Capistrano and Women's Health and Genetics/Laboratory Corporation of America, LabCorp); PubMed 36907859 (cited by Quest Diagnostics Nichols Institute San Juan Capistrano).